The following is an entry in ClinVar:

ClinVar aggregate classification (germline): Uncertain significance (1 of 4 stars; one submission).

Conditions:
Hereditary cancer-predisposing syndrome. Also called: Neoplastic Syndromes, Hereditary; Tumor predisposition; Hereditary Cancer Syndrome; Hereditary neoplastic syndrome. Identifiers: Orphanet 140162, MedGen C0027672, MeSH D009386, MONDO:0015356.

Submission:

Ambry Genetics
Classification: Uncertain significance for Hereditary cancer-predisposing syndrome. Last evaluated: 2026-03-24. Review status: criteria provided, single submitter. Criteria: Ambry Variant Classification Scheme 2023. Collection method: clinical testing. Allele origin: germline.
Comment: The p.S1034L variant (also known as c.3101C>T), located in coding exon 19 of the RET gene, results from a C to T substitution at nucleotide position 3101. The serine at codon 1034 is replaced by leucine, an amino acid with dissimilar properties. This amino acid position is conserved. In addition, the in silico prediction for this alteration is inconclusive. Based on the available evidence, the clinical significance of this variant remains unclear.

NM_020975.6(RET):c.3101C>T (p.Ser1034Leu)

Gene: RET (ret proto-oncogene; plus strand). Cytogenetic location: 10q11.21.
Variant type: single nucleotide variant.
Coding change: c.3101C>T on transcript NM_020975.6 (MANE Select); coding-DNA position 3101, C replaced by T.
Protein change: p.Ser1034Leu; replaces serine 1034 with leucine.
Molecular consequence: missense variant.
Genome position (GRCh38, 1-based): chr10:43,126,636, C>T. VCF-style: chr10-43126636-C-T. GRCh37 (hg19) VCF-style: chr10-43622084-C-T.
Other names: c.2204C>T, p.Ser735Leu (NM_001406782.1, NM_001406779.1, NM_001406780.1 and 1 more transcripts); c.2075C>T, p.Ser692Leu (NM_001406783.1, NM_001406786.1); c.2111C>T, p.Ser704Leu (NM_001406784.1); c.2084C>T, p.Ser695Leu (NM_001406785.1); c.2069C>T, p.Ser690Leu (NM_001406787.1); c.1916C>T, p.Ser639Leu (NM_001406788.1, NM_001406789.1, NM_001406790.1); c.1796C>T, p.Ser599Leu (NM_001406791.1); c.1652C>T, p.Ser551Leu (NM_001406792.1, NM_001406793.1, NM_001406794.1); and 10 more; short protein forms S1034L, S551L, S599L, S639L, S690L, S692L, S695L, S704L.
Identifiers: ClinVar variation 4863250 (VCV004863250.1).